The following is an entry in ClinVar:

NM_176824.3(BBS7):c.725dup (p.Leu242fs)

Gene: BBS7 (Bardet-Biedl syndrome 7; minus strand). Cytogenetic location: 4q27.
Variant type: Duplication.
Coding change: c.725dup on transcript NM_176824.3 (MANE Select); coding-DNA position 725, one base duplicated (T; older notation c.725dupT).
Protein change: p.Leu242fs; shifts the reading frame from leucine 242.
Molecular consequence: frameshift variant.
Genome position (GRCh38, 1-based): chr4:121,853,080, A duplicated on the plus strand (T on the coding strand, the reverse complement: BBS7 is on the minus strand); the first of 4 consecutive A bases (chr4:121,853,080-121,853,083); duplicating any one gives the same sequence. VCF-style (leftmost placement, unchanged base first): chr4-121853079-C-CA. GRCh37 (hg19) VCF-style: chr4-122774234-C-CA.
Other names: c.725dupT (NM_176824.3); c.725dup, p.Leu242fs (NM_018190.4); short protein forms L242fs.
Identifiers: ClinVar variation 2680060 (VCV002680060.2), dbSNP rs2476523755, ClinGen allele CA2671949022.

ClinVar aggregate classification (germline): Pathogenic/Likely pathogenic. Review status: criteria provided, multiple submitters, no conflicts (2 of 4 stars). 2 submissions from 2 submitters: Pathogenic (1); Likely pathogenic (1). Last evaluated 2024-08-06.

Conditions:
Bardet-Biedl syndrome (BBS). Identifiers: Orphanet 110, MedGen C0752166, MONDO:0015229.
Bardet-Biedl syndrome 7 (BBS7). Identifiers: Orphanet 110, MedGen C1859565, MONDO:0014435, OMIM 615984.

Submissions (2):

Women's Health and Genetics/Laboratory Corporation of America, LabCorp
Classification: Pathogenic for Bardet-Biedl syndrome. Last evaluated: 2024-08-06. Review status: criteria provided, single submitter. Criteria: LabCorp Variant Classification Summary - May 2015. Collection method: clinical testing. Allele origin: germline.
Comment: Variant summary: BBS7 c.725dupT (p.Leu242PhefsX4) results in a premature termination codon, predicted to cause a truncation of the encoded protein or absence of the protein due to nonsense mediated decay, which are commonly known mechanisms for disease. The variant was absent in 251116 control chromosomes. To our knowledge, no occurrence of c.725dupT in individuals affected with Bardet-Biedl Syndrome and no experimental evidence demonstrating its impact on protein function have been reported. ClinVar contains an entry for this variant (Variation ID: 2680060). Based on the evidence outlined above, the variant was classified as pathogenic.

Baylor Genetics
Classification: Likely pathogenic for Bardet-Biedl syndrome 7. Last evaluated: 2023-10-10. Review status: criteria provided, single submitter. Criteria: ACMG Guidelines, 2015. Collection method: clinical testing. Allele origin: unknown.